The following is an entry in ClinVar:

NM_002691.4(POLD1):c.1961G>T (p.Gly654Val)

Gene: POLD1 (DNA polymerase delta 1, catalytic subunit; plus strand). Cytogenetic location: 19q13.33.
Variant type: single nucleotide variant.
Coding change: c.1961G>T on transcript NM_002691.4 (MANE Select); coding-DNA position 1961, G replaced by T.
Protein change: p.Gly654Val; replaces glycine 654 with valine.
Molecular consequence: missense variant. On other transcripts: non-coding transcript variant (1).
Genome position (GRCh38, 1-based): chr19:50,409,190, G>T. VCF-style: chr19-50409190-G-T. GRCh37 (hg19) VCF-style: chr19-50912447-G-T.
Other names: c.1961G>T, p.Gly654Val (NM_001256849.1); c.2039G>T, p.Gly680Val (NM_001308632.1); short protein forms G654V, G680V.
Identifiers: ClinVar variation 1043333 (VCV001043333.8), dbSNP rs2039006469, ClinGen allele CA406982329.

ClinVar aggregate classification (germline): Uncertain significance (1 of 4 stars; one submission).

Conditions:
POLD1-related polyposis and colorectal cancer syndrome (CRCS10). Also called: Colorectal cancer 10; COLORECTAL CANCER, SUSCEPTIBILITY TO, ON CHROMOSOME 19q; Colorectal cancer, susceptibility to, 10. Identifiers: Orphanet 220460, MedGen C2675481, MONDO:0012953, OMIM 612591.

Allele frequency attached by ClinVar (database versions not stated): gnomAD exomes below 0.00001.
gnomAD v4.1: 2 of 1,613,748 alleles (0.00012%); highest among the groups gnomAD compares: Non-Finnish European, 0.00017%; no homozygotes.

Submission:

Labcorp Genetics (formerly Invitae), Labcorp
Classification: Uncertain significance for POLD1-related polyposis and colorectal cancer syndrome. Last evaluated: 2023-06-16. Review status: criteria provided, single submitter. Criteria: Invitae Variant Classification Sherloc (09022015). Collection method: clinical testing. Allele origin: germline.
Comment: ClinVar contains an entry for this variant (Variation ID: 1043333). This sequence change replaces glycine, which is neutral and non-polar, with valine, which is neutral and non-polar, at codon 654 of the POLD1 protein (p.Gly654Val). This variant is not present in population databases (gnomAD no frequency). This variant has not been reported in the literature in individuals affected with POLD1-related conditions. Advanced modeling of protein sequence and biophysical properties (such as structural, functional, and spatial information, amino acid conservation, physicochemical variation, residue mobility, and thermodynamic stability) performed at Invitae indicates that this missense variant is expected to disrupt POLD1 protein function. In summary, the available evidence is currently insufficient to determine the role of this variant in disease. Therefore, it has been classified as a Variant of Uncertain Significance.